The following is an entry in ClinVar:

ClinVar aggregate classification (germline): Uncertain significance (1 of 4 stars; one submission).

Submission:

GeneDx
Classification: Uncertain significance. Last evaluated: 2024-09-03. Review status: criteria provided, single submitter. Criteria: GeneDx Variant Classification Process June 2021. Collection method: clinical testing. Allele origin: germline. Affected: yes.
Comment: Not observed at significant frequency in large population cohorts (gnomAD); In silico analysis supports that this missense variant has a deleterious effect on protein structure/function; Has not been previously published as pathogenic or benign to our knowledge

NM_002240.5(KCNJ6):c.307A>G (p.Thr103Ala)

Genes: KCNJ6 (potassium inwardly rectifying channel subfamily J member 6; minus strand), KCNJ6-AS1 (KCNJ6 antisense RNA 1; plus strand). Cytogenetic location: 21q22.13.
Variant type: single nucleotide variant.
Coding change: c.307A>G on transcript NM_002240.5 (MANE Select); coding-DNA position 307, A replaced by G.
Protein change: p.Thr103Ala; replaces threonine 103 with alanine.
Molecular consequence: missense variant. On other transcripts: non-coding transcript variant (1).
Genome position (GRCh38, 1-based): chr21:37,714,850, T>C on the plus strand (A>G on the coding strand, the complement: KCNJ6 is on the minus strand). VCF-style: chr21-37714850-T-C. GRCh37 (hg19) VCF-style: chr21-39087153-T-C.
Other names: short protein forms T103A.
Identifiers: ClinVar variation 3767680 (VCV003767680.1).
Genomic context (GRCh38, chr21:37,714,850, plus strand): 5'-GGTCCATGTCTCCCCGTATGTATGCGATCAACCACCAGATCATTCCAAAAAAGAGCCAGG[T>C]CACTGTGTAAACCATGACAAAAATCAATAGGTTGAATCTCCACTTCAGGTCCACTAATGT-3'
Protein context (NP_002231.1, residues 93-113): LLIFVMVYTV[Thr103Ala]WLFFGMIWWL